The following is an entry in ClinVar:

ClinVar aggregate classification (germline): Likely benign. Review status: criteria provided, multiple submitters, no conflicts (2 of 4 stars). 5 submissions from 5 submitters: Likely benign (5). Last evaluated 2024-11-19.

Conditions:
Inborn genetic diseases. Identifiers: MedGen C0950123, MeSH D030342.

Allele frequency attached by ClinVar (database versions not stated): ExAC 0.00004; gnomAD exomes 0.00007; gnomAD 0.00009 and 0.00010.

Submissions (5):

Blueprint Genetics
Classification: Likely benign. Last evaluated: 2024-11-19. Review status: criteria provided, single submitter. Criteria: ACMG Guidelines, 2015. Collection method: clinical testing. Allele origin: germline.

CeGaT Center for Human Genetics Tuebingen
Classification: Likely benign. Last evaluated: 2023-06-01. Review status: criteria provided, single submitter. Criteria: CeGaT Center For Human Genetics Tuebingen Variant Classification Criteria Version 2. Collection method: clinical testing. Allele origin: germline. Affected: yes. Observed: 2 variant alleles.
Comment: SMARCA2: BP4, BP7

GeneDx
Classification: Likely benign. Last evaluated: 2019-12-26. Review status: criteria provided, single submitter. Criteria: GeneDx Variant Classification Process June 2021. Collection method: clinical testing. Allele origin: germline. Affected: yes.

Ambry Genetics
Classification: Likely benign for Inborn genetic diseases. Last evaluated: 2018-02-06. Review status: criteria provided, single submitter. Criteria: Ambry Variant Classification Scheme 2023. Collection method: clinical testing. Allele origin: germline.

Breakthrough Genomics
Classification: Likely benign. Review status: criteria provided, single submitter. Criteria: ACMG Guidelines, 2015. Collection method: not provided. Allele origin: germline. Inheritance: Autosomal dominant inheritance. Affected: yes.

NM_003070.5(SMARCA2):c.681G>A (p.Gln227=)

Gene: SMARCA2 (SWI/SNF related BAF chromatin remodeling complex subunit ATPase 2; plus strand). Cytogenetic location: 9p24.3.
Variant type: single nucleotide variant.
Coding change: c.681G>A on transcript NM_003070.5 (MANE Select); coding-DNA position 681, G replaced by A.
Protein change: p.Gln227=; no amino-acid change (glutamine 227 retained).
Molecular consequence: synonymous variant.
Genome position (GRCh38, 1-based): chr9:2,039,791, G>A. VCF-style: chr9-2039791-G-A. GRCh37 (hg19) VCF-style: chr9-2039791-G-A.
Other names: c.681G>A, p.Gln227= (NM_001289396.2, NM_001289397.2, NM_139045.4).
Identifiers: ClinVar variation 1188115 (VCV001188115.36), dbSNP rs142219087, ClinGen allele CA4962928.